The following is an entry in ClinVar:

ClinVar aggregate classification (germline): Likely benign (1 of 4 stars; one submission).

Allele frequency attached by ClinVar (database versions not stated): ESP Exome Variant Server 0.00015; TOPMed 0.00021; gnomAD exomes 0.00027; ExAC 0.00028; gnomAD 0.00046.
gnomAD v4.1: 461 of 1,614,226 alleles (0.029%); highest among the groups gnomAD compares: Non-Finnish European, 0.032%; 1 homozygote.

Submission:

CeGaT Center for Human Genetics Tuebingen
Classification: Likely benign. Last evaluated: 2023-02-01. Review status: criteria provided, single submitter. Criteria: CeGaT Center For Human Genetics Tuebingen Variant Classification Criteria Version 2. Collection method: clinical testing. Allele origin: germline. Affected: yes. Observed: 1 variant allele.
Comment: TLN2: BP4, BP7

NM_015059.3(TLN2):c.912C>T (p.Leu304=)

Gene: TLN2 (talin 2; plus strand). Cytogenetic location: 15q22.2.
Variant type: single nucleotide variant.
Coding change: c.912C>T on transcript NM_015059.3 (MANE Select); coding-DNA position 912, C replaced by T.
Protein change: p.Leu304=; no amino-acid change (leucine 304 retained).
Molecular consequence: synonymous variant.
Genome position (GRCh38, 1-based): chr15:62,675,276, C>T. VCF-style: chr15-62675276-C-T. GRCh37 (hg19) VCF-style: chr15-62967475-C-T.
Other names: c.912C>T, p.Leu304= (NM_001394547.1).
Identifiers: ClinVar variation 2645406 (VCV002645406.24), dbSNP rs199806066, ClinGen allele CA7598611.